The following is an entry in ClinVar:

ClinVar aggregate classification (germline): Uncertain significance (1 of 4 stars; one submission).

Allele frequency attached by ClinVar (database versions not stated): gnomAD exomes below 0.00001.
gnomAD v4.1: 1 of 1,531,242 alleles (0.000065%); highest among the groups gnomAD compares: Non-Finnish European, 0.000091%; no homozygotes.

Submission:

Labcorp Genetics (formerly Invitae), Labcorp
Classification: Uncertain significance. Last evaluated: 2024-01-17. Review status: criteria provided, single submitter. Criteria: Invitae Variant Classification Sherloc (09022015). Collection method: clinical testing. Allele origin: germline.
Comment: This sequence change replaces valine, which is neutral and non-polar, with isoleucine, which is neutral and non-polar, at codon 327 of the IL12RB2 protein (p.Val327Ile). This variant is not present in population databases (gnomAD no frequency). This variant has not been reported in the literature in individuals affected with IL12RB2-related conditions. ClinVar contains an entry for this variant (Variation ID: 2098033). Algorithms developed to predict the effect of missense changes on protein structure and function output the following: SIFT: "Not Available"; PolyPhen-2: "Possibly Damaging"; Align-GVGD: "Not Available". The isoleucine amino acid residue is found in multiple mammalian species, which suggests that this missense change does not adversely affect protein function. In summary, the available evidence is currently insufficient to determine the role of this variant in disease. Therefore, it has been classified as a Variant of Uncertain Significance.

NM_001374259.2(IL12RB2):c.979G>A (p.Val327Ile)

Gene: IL12RB2 (interleukin 12 receptor subunit beta 2; plus strand). Cytogenetic location: 1p31.3.
Variant type: single nucleotide variant.
Coding change: c.979G>A on transcript NM_001374259.2 (MANE Select); coding-DNA position 979, G replaced by A.
Protein change: p.Val327Ile; replaces valine 327 with isoleucine.
Molecular consequence: missense variant. On other transcripts: non-coding transcript variant (2).
Genome position (GRCh38, 1-based): chr1:67,338,644, G>A. VCF-style: chr1-67338644-G-A. GRCh37 (hg19) VCF-style: chr1-67804327-G-A.
Other names: c.979G>A, p.Val327Ile (NM_001258214.1, NM_001258215.1, NM_001258216.1 and 2 more transcripts); short protein forms V327I.
Identifiers: ClinVar variation 2098033 (VCV002098033.4), dbSNP rs2526059787, ClinGen allele CA340734678.